The following is an entry in ClinVar:

NM_001009944.3(PKD1):c.3007A>G (p.Ser1003Gly)

Gene: PKD1 (polycystin 1, transient receptor potential channel interacting; minus strand). Cytogenetic location: 16p13.3.
Variant type: single nucleotide variant.
Coding change: c.3007A>G on transcript NM_001009944.3 (MANE Select); coding-DNA position 3007, A replaced by G.
Protein change: p.Ser1003Gly; replaces serine 1003 with glycine.
Molecular consequence: missense variant.
Genome position (GRCh38, 1-based): chr16:2,112,942, T>C on the plus strand (A>G on the coding strand, the complement: PKD1 is on the minus strand). VCF-style: chr16-2112942-T-C. GRCh37 (hg19) VCF-style: chr16-2162943-T-C.
Other names: c.3007A>G, p.Ser1003Gly (NM_000296.4); short protein forms S1003G.
Identifiers: ClinVar variation 3025530 (VCV003025530.22), dbSNP rs1443566968, ClinGen allele CA394385154.

ClinVar aggregate classification (germline): Uncertain significance (1 of 4 stars; one submission).

Allele frequency attached by ClinVar (database versions not stated): TOPMed below 0.00001; gnomAD 0.00001; gnomAD exomes 0.00001.
gnomAD v4.1: 13 of 1,602,034 alleles (0.00081%); highest among the groups gnomAD compares: Non-Finnish European, 0.001%; no homozygotes.

Submission:

CeGaT Center for Human Genetics Tuebingen
Classification: Uncertain significance. Last evaluated: 2024-02-01. Review status: criteria provided, single submitter. Criteria: CeGaT Center For Human Genetics Tuebingen Variant Classification Criteria Version 2. Collection method: clinical testing. Allele origin: germline. Affected: yes. Observed: 1 variant allele.
Comment: PKD1: PM2:Supporting, PP4, PS4:Supporting